The following is an entry in ClinVar:

ClinVar aggregate classification (germline): Uncertain significance (1 of 4 stars; one submission).

Conditions:
Hereditary cancer-predisposing syndrome. Also called: Hereditary Cancer Syndrome; Hereditary neoplastic syndrome; Neoplastic Syndromes, Hereditary; Tumor predisposition. Identifiers: Orphanet 140162, MedGen C0027672, MeSH D009386, MONDO:0015356.

Submission:

Ambry Genetics
Classification: Uncertain significance for Hereditary cancer-predisposing syndrome. Last evaluated: 2017-10-23. Review status: criteria provided, single submitter. Criteria: Ambry Variant Classification Scheme 2023. Collection method: clinical testing. Allele origin: germline.
Comment: The p.E405G variant (also known as c.1214A>G), located in coding exon 10 of the NBN gene, results from an A to G substitution at nucleotide position 1214. The glutamic acid at codon 405 is replaced by glycine, an amino acid with similar properties. This amino acid position is well conserved in available vertebrate species. In addition, this alteration is predicted to be tolerated by in silico analysis. Since supporting evidence is limited at this time, the clinical significance of this alteration remains unclear.

NM_002485.5(NBN):c.1214A>G (p.Glu405Gly)

Gene: NBN (nibrin; minus strand). Cytogenetic location: 8q21.3.
Variant type: single nucleotide variant.
Coding change: c.1214A>G on transcript NM_002485.5 (MANE Select); coding-DNA position 1214, A replaced by G.
Protein change: p.Glu405Gly; replaces glutamic acid 405 with glycine.
Molecular consequence: missense variant.
Genome position (GRCh38, 1-based): chr8:89,955,466, T>C on the plus strand (A>G on the coding strand, the complement: NBN is on the minus strand). VCF-style: chr8-89955466-T-C. GRCh37 (hg19) VCF-style: chr8-90967694-T-C.
Other names: c.968A>G, p.Glu323Gly (NM_001024688.3); short protein forms E323G, E405G.
Identifiers: ClinVar variation 1751103 (VCV001751103.2), dbSNP rs1387037890, ClinGen allele CA371656346.